The following is an entry in ClinVar:

ClinVar aggregate classification (germline): Uncertain significance (1 of 4 stars; one submission).

Conditions:
Glycine encephalopathy. Also called: Non-ketotic hyperglycinemia; Nonketotic hyperglycinemia. Identifiers: Orphanet 407, MedGen C0751748, MONDO:0011612, HP:0008288.

Allele frequency attached by ClinVar (database versions not stated): gnomAD exomes below 0.00001; ExAC 0.00001; gnomAD 0.00001.
gnomAD v4.1: 13 of 1,614,064 alleles (0.00081%); highest among the groups gnomAD compares: Non-Finnish European, 0.001%; no homozygotes.

Submission:

Labcorp Genetics (formerly Invitae), Labcorp
Classification: Uncertain significance for Glycine encephalopathy. Last evaluated: 2022-03-27. Review status: criteria provided, single submitter. Criteria: Invitae Variant Classification Sherloc (09022015). Collection method: clinical testing. Allele origin: germline.
Comment: This sequence change replaces methionine, which is neutral and non-polar, with valine, which is neutral and non-polar, at codon 205 of the AMT protein (p.Met205Val). This variant is present in population databases (rs766904475, gnomAD 0.004%). This variant has not been reported in the literature in individuals affected with AMT-related conditions. ClinVar contains an entry for this variant (Variation ID: 970825). Algorithms developed to predict the effect of missense changes on protein structure and function are either unavailable or do not agree on the potential impact of this missense change (SIFT: "Tolerated"; PolyPhen-2: "Probably Damaging"; Align-GVGD: "Class C0"). In summary, the available evidence is currently insufficient to determine the role of this variant in disease. Therefore, it has been classified as a Variant of Uncertain Significance.

NM_000481.4(AMT):c.613A>G (p.Met205Val)

Gene: AMT (aminomethyltransferase; minus strand). Cytogenetic location: 3p21.31.
Variant type: single nucleotide variant.
Coding change: c.613A>G on transcript NM_000481.4 (MANE Select); coding-DNA position 613, A replaced by G.
Protein change: p.Met205Val; replaces methionine 205 with valine.
Molecular consequence: missense variant. On other transcripts: non-coding transcript variant (1).
Genome position (GRCh38, 1-based): chr3:49,419,343, T>C on the plus strand (A>G on the coding strand, the complement: AMT is on the minus strand). VCF-style: chr3-49419343-T-C. GRCh37 (hg19) VCF-style: chr3-49456776-T-C.
Other names: c.481A>G, p.Met161Val (NM_001164710.2); c.445A>G, p.Met149Val (NM_001164711.2); c.613A>G, p.Met205Val (NM_001164712.2); short protein forms M161V, M149V, M205V.
Identifiers: ClinVar variation 970825 (VCV000970825.3), dbSNP rs766904475, ClinGen allele CA2398300.